The following is an entry in ClinVar:

ClinVar aggregate classification (germline): Uncertain significance (1 of 4 stars; one submission).

Conditions:
Familial cold autoinflammatory syndrome 2 (FCAS2). Identifiers: Orphanet 247868, MedGen C2673198, MONDO:0012724, OMIM 611762.

Submission:

Labcorp Genetics (formerly Invitae), Labcorp
Classification: Uncertain significance for Familial cold autoinflammatory syndrome 2. Last evaluated: 2025-09-30. Review status: criteria provided, single submitter. Criteria: Invitae Variant Classification Sherloc (09022015). Collection method: clinical testing. Allele origin: germline.
Comment: This sequence change replaces asparagine, which is neutral and polar, with lysine, which is basic and polar, at codon 837 of the NLRP12 protein (p.Asn837Lys). This variant is present in population databases (no rsID available, gnomAD 0.003%). This variant has not been reported in the literature in individuals affected with NLRP12-related conditions. Invitae Evidence Modeling of protein sequence and biophysical properties (such as structural, functional, and spatial information, amino acid conservation, physicochemical variation, residue mobility, and thermodynamic stability) has been performed for this missense variant. However, the output from this modeling did not meet the statistical confidence thresholds required to predict the impact of this variant on NLRP12 protein function. In summary, the available evidence is currently insufficient to determine the role of this variant in disease. Therefore, it has been classified as a Variant of Uncertain Significance.

NM_144687.4(NLRP12):c.2511T>G (p.Asn837Lys)

Gene: NLRP12 (NLR family pyrin domain containing 12; minus strand). Cytogenetic location: 19q13.42.
Variant type: single nucleotide variant.
Coding change: c.2511T>G on transcript NM_144687.4 (MANE Select); coding-DNA position 2511, T replaced by G.
Protein change: p.Asn837Lys; replaces asparagine 837 with lysine.
Molecular consequence: missense variant.
Genome position (GRCh38, 1-based): chr19:53,804,026, A>C on the plus strand (T>G on the coding strand, the complement: NLRP12 is on the minus strand). VCF-style: chr19-53804026-A-C. GRCh37 (hg19) VCF-style: chr19-54307280-A-C.
Other names: c.2514T>G, p.Asn838Lys (NM_001277126.2); c.2511T>G, p.Asn837Lys (NM_001277129.1); short protein forms N838K, N837K.
Identifiers: ClinVar variation 4741246 (VCV004741246.1).